The following is an entry in ClinVar:

NM_201384.3(PLEC):c.10570_10571inv (p.Arg3524Leu)

Gene: PLEC (plectin; minus strand). Cytogenetic location: 8q24.3.
Variant type: Inversion.
Coding change: c.10570_10571inv on transcript NM_201384.3 (MANE Select).
Protein change: p.Arg3524Leu; replaces arginine 3524 with leucine.
Molecular consequence: missense variant.
Genome position: GRCh38 VCF-style: chr8-143919250-CT-AG. GRCh37 (hg19) VCF-style: chr8-144993418-CT-AG.
Other names: c.10651_10652inv, p.Arg3551Leu (NM_000445.5); c.10528_10529inv, p.Arg3510Leu (NM_201378.4); c.10504_10505inv, p.Arg3502Leu (NM_201379.3); c.10981_10982inv, p.Arg3661Leu (NM_201380.4); c.10474_10475inv, p.Arg3492Leu (NM_201381.3); c.10570_10571inv, p.Arg3524Leu (NM_201382.4); c.10582_10583inv, p.Arg3528Leu (NM_201383.3); c.10651_10652delinsCT (NM_000445.4); short protein forms R3524L, R3528L, R3661L, R3551L, R3492L, R3502L, R3510L.
Identifiers: ClinVar variation 1356815 (VCV001356815.7), ClinGen allele CA2573142982.
Genomic context (GRCh38, chr8:143,919,250, plus strand): 5'-TTCAGTGGCAGAAGGCGCAAGCCCGTCTCGGGGTCCTCCACGCACCGCTCCAGCAGCTGC[CT>AG]GTACGTGAGGTTCTCATGCGTGTTGGGGTCAAAGAAGCCCTTGGTGTCGTCGCTGGGGTC-3'
Protein context (NP_958786.1, residues 3514-3534): DPNTHENLTY[Arg3524Leu]QLLERCVEDP

ClinVar aggregate classification (germline): Uncertain significance. Review status: criteria provided, multiple submitters, no conflicts (2 of 4 stars). 2 submissions from 2 submitters: Uncertain significance (2). Last evaluated 2026-08-20.

Conditions:
PLEC-related disorder. Also called: PLEC-related condition; PLEC-related disorders.
Autosomal recessive limb-girdle muscular dystrophy type 2Q (LGMDR17). Also called: MUSCULAR DYSTROPHY, LIMB-GIRDLE, AUTOSOMAL RECESSIVE 17. Identifiers: Orphanet 254361, MedGen C3150989, MONDO:0013390, OMIM 613723.
Epidermolysis bullosa simplex with nail dystrophy (EBS5D). Identifiers: MedGen C4225309, MONDO:0014661, OMIM 616487.
Epidermolysis bullosa simplex 5B, with muscular dystrophy (EBS5B). Also called: EPIDERMOLYSIS BULLOSA SIMPLEX AND LIMB-GIRDLE MUSCULAR DYSTROPHY; Epidermolysis bullosa simplex with muscular dystrophy. Identifiers: Orphanet 257, MedGen C2931072, MONDO:0009181, OMIM 226670.
Epidermolysis bullosa simplex, Ogna type (EBS5A). Also called: Pidermolysis bullosa simplex 5A, Ogna type; EPIDERMOLYSIS BULLOSA SIMPLEX 5A, OGNA TYPE. Identifiers: Orphanet 79401, MedGen C0432317, MONDO:0007555, OMIM 131950.
Epidermolysis bullosa simplex 5C, with pyloric atresia (EBS5C). Also called: PLEC1-Related Epidermolysis Bullosa with Pyloric Atresia; PLEC-Related Epidermolysis Bullosa with Pyloric Atresia; Epidermolysis bullosa simplex with pyloric atresia. Identifiers: Orphanet 158684, MedGen C2677349, MONDO:0012807, OMIM 612138.

Submissions (2):

PreventionGenetics, part of Exact Sciences
Classification: Uncertain significance for PLEC-related condition. Last evaluated: 2026-08-20. Review status: criteria provided, single submitter. Criteria: ACMG Guidelines, 2015. Collection method: clinical testing. Allele origin: germline.
Comment: The PLEC c.10651_10652delinsCT variant is predicted to result in an in-frame deletion and insertion. To our knowledge, this variant has not been reported in the literature or in a large population database (gnomAD), indicating this variant is rare. However, a Leu residue is present at the same codon in several species, suggesting this variant may be benign. At this time, the clinical significance of this variant is uncertain due to the absence of conclusive functional and genetic evidence.

Labcorp Genetics (formerly Invitae), Labcorp
Classification: Uncertain significance for Autosomal recessive limb-girdle muscular dystrophy type 2Q; Epidermolysis bullosa simplex, Ogna type; Epidermolysis bullosa simplex with nail dystrophy; Epidermolysis bullosa simplex 5C, with pyloric atresia; Epidermolysis bullosa simplex 5B, with muscular dystrophy. Last evaluated: 2024-10-29. Review status: criteria provided, single submitter. Criteria: Invitae Variant Classification Sherloc (09022015). Collection method: clinical testing. Allele origin: germline.
Comment: This sequence change replaces arginine, which is basic and polar, with leucine, which is neutral and non-polar, at codon 3551 of the PLEC protein (p.Arg3551Leu). Information on the frequency of this variant in the gnomAD database is not available, as this variant may be reported differently in the database. This variant has not been reported in the literature in individuals affected with PLEC-related conditions. ClinVar contains an entry for this variant (Variation ID: 1356815). An algorithm developed to predict the effect of missense changes on protein structure and function (PolyPhen-2) suggests that this variant is likely to be tolerated. In summary, the available evidence is currently insufficient to determine the role of this variant in disease. Therefore, it has been classified as a Variant of Uncertain Significance.